The following is an entry in ClinVar:

ClinVar aggregate classification (germline): Uncertain significance (1 of 4 stars; one submission).

Submission:

GeneDx
Classification: Uncertain significance. Last evaluated: 2018-01-04. Review status: criteria provided, single submitter. Criteria: GeneDx Variant Classification (06012015). Collection method: clinical testing. Allele origin: germline. Affected: yes.
Comment: The c.1609-41_1609-7del35ins35 variant has not been published as a pathogenic variant, nor has it been reported as a benign variant to our knowledge. This variant is not observed in large population cohorts (Lek et al., 2016). Multiple in-silico splice prediction models predict c.1609-41_1609-7del35ins35 destroys the natural splice acceptor site of intron 11, leading to abnormal gene splicing. However, in the absence of RNA/functional studies the actual effect of this variant on splicing in this individual is unknown.

NM_000426.4(LAMA2):c.1609-41=

Gene: LAMA2 (laminin subunit alpha 2; plus strand). Cytogenetic location: 6q22.33.
Variant type: Indel.
Coding change: c.1609-41= on transcript NM_000426.4 (MANE Select); 41 bases into the intron before coding-DNA position 1609, no change from the reference sequence.
Molecular consequence: intron variant.
Genome position: GRCh38: chr6:129,192,639-129,192,673. GRCh37 (hg19): chr6:129,513,784-129,513,818.
Other names: c.1609-41= (NM_001079823.2); c.1609-41_1609-7del35ins35 (NM_000426.3).
Identifiers: ClinVar variation 504071 (VCV000504071.1).